The following is an entry in ClinVar:

ClinVar aggregate classification (germline): Uncertain significance (1 of 4 stars; one submission).

gnomAD v4.1: 4 of 1,614,240 alleles (0.00025%); highest among the groups gnomAD compares: Admixed American, 0.0067%; no homozygotes.

Submission:

Labcorp Genetics (formerly Invitae), Labcorp
Classification: Uncertain significance. Last evaluated: 2025-03-17. Review status: criteria provided, single submitter. Criteria: Invitae Variant Classification Sherloc (09022015). Collection method: clinical testing. Allele origin: germline.
Comment: This sequence change replaces glycine, which is neutral and non-polar, with valine, which is neutral and non-polar, at codon 252 of the ACAD9 protein (p.Gly252Val). This variant is not present in population databases (gnomAD no frequency). This variant has not been reported in the literature in individuals affected with ACAD9-related conditions. ClinVar contains an entry for this variant (Variation ID: 1956840). Invitae Evidence Modeling of protein sequence and biophysical properties (such as structural, functional, and spatial information, amino acid conservation, physicochemical variation, residue mobility, and thermodynamic stability) indicates that this missense variant is expected to disrupt ACAD9 protein function with a positive predictive value of 80%. In summary, the available evidence is currently insufficient to determine the role of this variant in disease. Therefore, it has been classified as a Variant of Uncertain Significance.

NM_014049.5(ACAD9):c.755G>T (p.Gly252Val)

Gene: ACAD9 (acyl-CoA dehydrogenase family member 9; plus strand). Cytogenetic location: 3q21.3.
Variant type: single nucleotide variant.
Coding change: c.755G>T on transcript NM_014049.5 (MANE Select); coding-DNA position 755, G replaced by T.
Protein change: p.Gly252Val; replaces glycine 252 with valine.
Molecular consequence: missense variant. On other transcripts: non-coding transcript variant (1).
Genome position (GRCh38, 1-based): chr3:128,899,408, G>T. VCF-style: chr3-128899408-G-T. GRCh37 (hg19) VCF-style: chr3-128618251-G-T.
Other names: c.386G>T, p.Gly129Val (NM_001410805.1); short protein forms G129V, G252V.
Identifiers: ClinVar variation 1956840 (VCV001956840.3), dbSNP rs1935665522, ClinGen allele CA354434665.